The following is an entry in ClinVar:

ClinVar aggregate classification (germline): Uncertain significance. Review status: criteria provided, multiple submitters, no conflicts (2 of 4 stars). 2 submissions from 2 submitters: Uncertain significance (2). Last evaluated 2023-12-13.

Conditions:
Inborn genetic diseases. Identifiers: MedGen C0950123, MeSH D030342.
Primary ciliary dyskinesia 30. Also called: CILIARY DYSKINESIA, PRIMARY, 30, WITH OR WITHOUT SITUS INVERSUS. Identifiers: Orphanet 244, MedGen C4015016, MONDO:0014465, OMIM 616037.

Allele frequency attached by ClinVar (database versions not stated): gnomAD exomes below 0.00001; gnomAD 0.00002; TOPMed 0.00002.
gnomAD v4.1: 6 of 1,588,970 alleles (0.00038%); highest among the groups gnomAD compares: Admixed American, 0.01%; no homozygotes.

Submissions (2):

Ambry Genetics
Classification: Uncertain significance for Inborn genetic diseases. Last evaluated: 2023-12-13. Review status: criteria provided, single submitter. Criteria: Ambry Variant Classification Scheme 2023. Collection method: clinical testing. Allele origin: germline.

Labcorp Genetics (formerly Invitae), Labcorp
Classification: Uncertain significance for Primary ciliary dyskinesia 30. Last evaluated: 2022-06-17. Review status: criteria provided, single submitter. Criteria: Invitae Variant Classification Sherloc (09022015). Collection method: clinical testing. Allele origin: germline.
Comment: This sequence change replaces leucine, which is neutral and non-polar, with arginine, which is basic and polar, at codon 153 of the CCDC151 protein (p.Leu153Arg). This variant is not present in population databases (gnomAD no frequency). This variant has not been reported in the literature in individuals affected with CCDC151-related conditions. Algorithms developed to predict the effect of missense changes on protein structure and function are either unavailable or do not agree on the potential impact of this missense change (SIFT: "Deleterious"; PolyPhen-2: "Possibly Damaging"; Align-GVGD: "Class C0"). In summary, the available evidence is currently insufficient to determine the role of this variant in disease. Therefore, it has been classified as a Variant of Uncertain Significance.

NM_145045.5(ODAD3):c.458T>G (p.Leu153Arg)

Gene: ODAD3 (outer dynein arm docking complex subunit 3; minus strand). Cytogenetic location: 19p13.2.
Variant type: single nucleotide variant.
Coding change: c.458T>G on transcript NM_145045.5 (MANE Select); coding-DNA position 458, T replaced by G.
Protein change: p.Leu153Arg; replaces leucine 153 with arginine.
Molecular consequence: missense variant.
Genome position (GRCh38, 1-based): chr19:11,427,027, A>C on the plus strand (T>G on the coding strand, the complement: ODAD3 is on the minus strand). VCF-style: chr19-11427027-A-C. GRCh37 (hg19) VCF-style: chr19-11537847-A-C.
Other names: c.296T>G, p.Leu99Arg (NM_001302453.1); c.380T>G, p.Leu127Arg (NM_001302454.2); c.458T>G (NM_145045.4); short protein forms L99R, L127R, L153R.
Identifiers: ClinVar variation 2144993 (VCV002144993.2), dbSNP rs893580765, ClinGen allele CA305335718.